The following is an entry in ClinVar:

NM_000384.3(APOB):c.5722G>A (p.Asp1908Asn)

Gene: APOB (apolipoprotein B; minus strand). Cytogenetic location: 2p24.1.
Variant type: single nucleotide variant.
Coding change: c.5722G>A on transcript NM_000384.3 (MANE Select); coding-DNA position 5722, G replaced by A.
Protein change: p.Asp1908Asn; replaces aspartic acid 1908 with asparagine.
Molecular consequence: missense variant.
Genome position (GRCh38, 1-based): chr2:21,011,146, C>T on the plus strand (G>A on the coding strand, the complement: APOB is on the minus strand). VCF-style: chr2-21011146-C-T. GRCh37 (hg19) VCF-style: chr2-21234018-C-T.
Other names: short protein forms D1908N.
Identifiers: ClinVar variation 651996 (VCV000651996.14), dbSNP rs751368655, ClinGen allele CA062407.

ClinVar aggregate classification (germline): Conflicting classifications of pathogenicity. Review status: criteria provided, conflicting classifications (1 of 4 stars). 3 submissions from 3 submitters: Uncertain significance (2); Likely benign (1). Last evaluated 2024-08-22.

Conditions:
Cardiovascular phenotype. Identifiers: MedGen CN230736.
Familial hypobetalipoproteinemia 1. Also called: Hypobetalipoproteinemia, normotriglyceridemic; Acanthocytosis with hypobetalipoproteinemia; APOB-Related Familial Hypobetalipoproteinemia. Identifiers: MedGen C4551990, MONDO:0014252, OMIM 615558.
Hypercholesterolemia, autosomal dominant, type B (FHCL2). Also called: Familial Hypercholesterolemia Type B; APOLIPOPROTEIN B-100, FAMILIAL DEFECTIVE; APOLIPOPROTEIN B-100, FAMILIAL LIGAND-DEFECTIVE; HYPERCHOLESTEROLEMIA, FAMILIAL, DUE TO LIGAND-DEFECTIVE APOLIPOPROTEIN B; Familial hypercholesterolemia 2; APOB-Related Familial Hypercholesterolemia, Autosomal Dominant. Identifiers: MedGen C1704417, MONDO:0007751, OMIM 144010.

Allele frequency attached by ClinVar (database versions not stated): ExAC 0.00005; TOPMed 0.00005; gnomAD exomes 0.00008; gnomAD 0.00010.
gnomAD v4.1: 65 of 1,614,166 alleles (0.004%); highest among the groups gnomAD compares: Admixed American, 0.03%; no homozygotes.

Submissions (3):

Labcorp Genetics (formerly Invitae), Labcorp
Classification: Likely benign for Familial hypobetalipoproteinemia 1; Hypercholesterolemia, autosomal dominant, type B. Last evaluated: 2024-08-22. Review status: criteria provided, single submitter. Criteria: Invitae Variant Classification Sherloc (09022015). Collection method: clinical testing. Allele origin: germline.

Revvity Omics, Revvity
Classification: Uncertain significance. Last evaluated: 2024-07-26. Review status: criteria provided, single submitter. Criteria: ACMG Guidelines, 2015. Collection method: clinical testing. Allele origin: germline.

Ambry Genetics
Classification: Uncertain significance for Cardiovascular phenotype. Last evaluated: 2018-10-17. Review status: criteria provided, single submitter. Criteria: Ambry Variant Classification Scheme 2023. Collection method: clinical testing. Allele origin: germline.
Comment: The p.D1908N variant (also known as c.5722G>A), located in coding exon 26 of the APOB gene, results from a G to A substitution at nucleotide position 5722. The aspartic acid at codon 1908 is replaced by asparagine, an amino acid with highly similar properties. This amino acid position is well conserved in available vertebrate species. In addition, this alteration is predicted to be tolerated by in silico analysis. Since supporting evidence is limited at this time, the clinical significance of this alteration remains unclear.